The following is an entry in ClinVar:

NM_000038.6(APC):c.5897A>T (p.Asn1966Ile)

Gene: APC (APC regulator of Wnt signaling pathway; plus strand). Cytogenetic location: 5q22.2.
Variant type: single nucleotide variant.
Coding change: c.5897A>T on transcript NM_000038.6 (MANE Select); coding-DNA position 5897, A replaced by T.
Protein change: p.Asn1966Ile; replaces asparagine 1966 with isoleucine.
Molecular consequence: missense variant.
Genome position (GRCh38, 1-based): chr5:112,841,491, A>T. VCF-style: chr5-112841491-A-T. GRCh37 (hg19) VCF-style: chr5-112177188-A-T.
Other names: c.5897A>T, p.Asn1966Ile (NM_001127510.3, NM_001354895.2); c.5843A>T, p.Asn1948Ile (NM_001127511.3); c.5951A>T, p.Asn1984Ile (NM_001354896.2); c.5927A>T, p.Asn1976Ile (NM_001354897.2); c.5822A>T, p.Asn1941Ile (NM_001354898.2); c.5813A>T, p.Asn1938Ile (NM_001354899.2); c.5774A>T, p.Asn1925Ile (NM_001354900.2); c.5720A>T, p.Asn1907Ile (NM_001354901.2); and 5 more; short protein forms N1941I, N1966I, N1976I, N1806I, N1865I, N1907I, N1683I, N1840I.
Identifiers: ClinVar variation 951115 (VCV000951115.12), dbSNP rs1322614389, ClinGen allele CA16034237.

ClinVar aggregate classification (germline): Uncertain significance. Review status: criteria provided, multiple submitters, no conflicts (2 of 4 stars). 2 submissions from 2 submitters: Uncertain significance (2). Last evaluated 2025-07-08.

Conditions:
Familial adenomatous polyposis 1 (FAP1). Also called: POLYPOSIS, ADENOMATOUS INTESTINAL; FAMILIAL ADENOMATOUS POLYPOSIS 1, ATTENUATED. Identifiers: MedGen C2713442, MONDO:0021056, OMIM 175100. Disease mechanism: loss of function.
Hereditary cancer-predisposing syndrome. Also called: Tumor predisposition; Hereditary neoplastic syndrome; Neoplastic Syndromes, Hereditary; Hereditary Cancer Syndrome. Identifiers: Orphanet 140162, MedGen C0027672, MeSH D009386, MONDO:0015356.

Submissions (2):

Ambry Genetics
Classification: Uncertain significance for Hereditary cancer-predisposing syndrome. Last evaluated: 2025-07-08. Review status: criteria provided, single submitter. Criteria: Ambry Variant Classification Scheme 2023. Collection method: clinical testing. Allele origin: germline.
Comment: The p.N1966I variant (also known as c.5897A>T), located in coding exon 15 of the APC gene, results from an A to T substitution at nucleotide position 5897. The asparagine at codon 1966 is replaced by isoleucine, an amino acid with dissimilar properties. This amino acid position is highly conserved in available vertebrate species. In addition, in silico predictors for this gene do not accurately predict pathogenicity. Missense alterations in APC are not a common cause of disease (Spier I et al. Genet Med. 2024 Feb;26(2):100992). Based on the available evidence, the clinical significance of this variant remains unclear.

Labcorp Genetics (formerly Invitae), Labcorp
Classification: Uncertain significance for Familial adenomatous polyposis 1. Last evaluated: 2019-06-28. Review status: criteria provided, single submitter. Criteria: Invitae Variant Classification Sherloc (09022015). Collection method: clinical testing. Allele origin: germline.
Comment: This sequence change replaces asparagine with isoleucine at codon 1966 of the APC protein (p.Asn1966Ile). The asparagine residue is highly conserved and there is a large physicochemical difference between asparagine and isoleucine. This variant is not present in population databases (ExAC no frequency). This variant has not been reported in the literature in individuals with APC-related conditions. Algorithms developed to predict the effect of missense changes on protein structure and function (SIFT, PolyPhen-2, Align-GVGD) all suggest that this variant is likely to be disruptive, but these predictions have not been confirmed by published functional studies and their clinical significance is uncertain. In summary, the available evidence is currently insufficient to determine the role of this variant in disease. Therefore, it has been classified as a Variant of Uncertain Significance.